The following is an entry in ClinVar:

ClinVar aggregate classification (germline): Uncertain significance (1 of 4 stars; one submission).

Allele frequency attached by ClinVar (database versions not stated): gnomAD exomes below 0.00001; ExAC 0.00001; 1000 Genomes Project 30x 0.00016; 1000 Genomes Project 0.00020.

Submission:

Women's Health and Genetics/Laboratory Corporation of America, LabCorp
Classification: Uncertain significance. Last evaluated: 2024-02-08. Review status: criteria provided, single submitter. Criteria: LabCorp Variant Classification Summary - May 2015. Collection method: clinical testing. Allele origin: germline.
Comment: Variant summary: PTPN23 c.4673C>A (p.Pro1558His) results in a non-conservative amino acid change in the encoded protein sequence. Three of four in-silico tools predict a damaging effect of the variant on protein function. The variant allele was found at a frequency of 1.2e-06 in 1606732 control chromosomes. The available data on variant occurrences in the general population are insufficient to allow any conclusion about variant significance. To our knowledge, no occurrence of c.4673C>A in individuals affected with Neurodevelopmental Disorder And Structural Brain Anomalies With Or Without Seizures And Spasticity and no experimental evidence demonstrating its impact on protein function have been reported. No submitters have cited clinical-significance assessments for this variant to ClinVar. Based on the evidence outlined above, the variant was classified as uncertain significance.

NM_015466.4(PTPN23):c.4673C>A (p.Pro1558His)

Gene: PTPN23 (protein tyrosine phosphatase non-receptor type 23; plus strand). Cytogenetic location: 3p21.31.
Variant type: single nucleotide variant.
Coding change: c.4673C>A on transcript NM_015466.4 (MANE Select); coding-DNA position 4673, C replaced by A.
Protein change: p.Pro1558His; replaces proline 1558 with histidine.
Molecular consequence: missense variant.
Genome position (GRCh38, 1-based): chr3:47,412,947, C>A. VCF-style: chr3-47412947-C-A. GRCh37 (hg19) VCF-style: chr3-47454437-C-A.
Other names: c.4295C>A, p.Pro1432His (NM_001304482.2); short protein forms P1432H, P1558H.
Identifiers: ClinVar variation 3069104 (VCV003069104.2), dbSNP rs542936098, ClinGen allele CA2366677.